The following is an entry in ClinVar:

ClinVar aggregate classification (germline): Benign/Likely benign. Review status: criteria provided, multiple submitters, no conflicts (2 of 4 stars). 4 submissions from 4 submitters: Benign (2); Likely benign (2). Last evaluated 2025-10-21.

Conditions:
Hereditary cancer-predisposing syndrome. Also called: Neoplastic Syndromes, Hereditary; Tumor predisposition; Hereditary neoplastic syndrome; Hereditary Cancer Syndrome. Identifiers: Orphanet 140162, MedGen C0027672, MeSH D009386, MONDO:0015356.
Multiple endocrine neoplasia, type 1 (MEN1). Also called: MEN I; WERMER SYNDROME; Endocrine adenomatosis multiple; MEN 1; MEA I. Identifiers: Orphanet 652, MedGen C0025267, MeSH D018761, MONDO:0007540, OMIM 131100.

Allele frequency attached by ClinVar (database versions not stated): gnomAD 0.00001; gnomAD exomes 0.00001.
gnomAD v4.1: 17 of 1,613,962 alleles (0.0011%); highest among the groups gnomAD compares: Middle Eastern, 0.067%; no homozygotes.

Submissions (4):

Labcorp Genetics (formerly Invitae), Labcorp
Classification: Likely benign for Multiple endocrine neoplasia, type 1. Last evaluated: 2025-10-21. Review status: criteria provided, single submitter. Criteria: Invitae Variant Classification Sherloc (09022015). Collection method: clinical testing. Allele origin: germline.

KCCC/NGS Laboratory, Kuwait Cancer Control Center
Classification: Benign for Multiple endocrine neoplasia, type 1. Last evaluated: 2025-02-01. Review status: criteria provided, single submitter. Criteria: ACMG Guidelines, 2015. Collection method: clinical testing. Allele origin: germline. Affected: no.

Myriad Genetics, Inc.
Classification: Benign for Multiple endocrine neoplasia, type 1. Last evaluated: 2024-11-05. Review status: criteria provided, single submitter. Criteria: Myriad Autosomal Dominant, Autosomal Recessive and X-Linked Classification Criteria (2023). Collection method: clinical testing. Allele origin: unknown.
Comment: This variant is considered benign. This variant is a silent/synonymous amino acid change and it is not expected to impact splicing.

Ambry Genetics
Classification: Likely benign for Hereditary cancer-predisposing syndrome. Last evaluated: 2016-09-01. Review status: criteria provided, single submitter. Criteria: Ambry Variant Classification Scheme 2023. Collection method: clinical testing. Allele origin: germline.

NM_001370259.2(MEN1):c.1230C>T (p.Phe410=)

Gene: MEN1 (menin 1; minus strand). Cytogenetic location: 11q13.1.
Variant type: single nucleotide variant.
Coding change: c.1230C>T on transcript NM_001370259.2 (MANE Select); coding-DNA position 1230, C replaced by T.
Protein change: p.Phe410=; no amino-acid change (phenylalanine 410 retained).
Molecular consequence: synonymous variant.
Genome position (GRCh38, 1-based): chr11:64,805,154, G>A on the plus strand (C>T on the coding strand, the complement: MEN1 is on the minus strand). VCF-style: chr11-64805154-G-A. GRCh37 (hg19) VCF-style: chr11-64572626-G-A.
Other names: c.1245C>T, p.Phe415= (NM_130803.3, NM_130804.3, NM_000244.4 and 3 more transcripts); c.1356C>T, p.Phe452= (NM_001370251.2); c.1230C>T, p.Phe410= (NM_001370260.2, NM_001370261.2, NM_130799.3); c.1125C>T, p.Phe375= (NM_001370262.2, NM_001370263.2); c.1245C>T (NM_000244.3).
Identifiers: ClinVar variation 241799 (VCV000241799.18), dbSNP rs878855188, ClinGen allele CA10582931.